The following is an entry in ClinVar:

ClinVar aggregate classification (germline): Uncertain significance (1 of 4 stars; one submission).

Conditions:
Familial adenomatous polyposis 2. Also called: MUTYH Polyposis; COLORECTAL ADENOMATOUS POLYPOSIS, AUTOSOMAL RECESSIVE; ADENOMAS, MULTIPLE COLORECTAL, AUTOSOMAL RECESSIVE; FAP type 2; Adenomas, multiple colorectal; MYH-associated polyposis. Identifiers: Orphanet 220460, Orphanet 247798, MedGen C3272841, MONDO:0012041, OMIM 608456.

Submission:

Labcorp Genetics (formerly Invitae), Labcorp
Classification: Uncertain significance for Familial adenomatous polyposis 2. Last evaluated: 2021-12-29. Review status: criteria provided, single submitter. Criteria: Invitae Variant Classification Sherloc (09022015). Collection method: clinical testing. Allele origin: germline.
Comment: In summary, the available evidence is currently insufficient to determine the role of this variant in disease. Therefore, it has been classified as a Variant of Uncertain Significance. Algorithms developed to predict the effect of missense changes on protein structure and function are either unavailable or do not agree on the potential impact of this missense change (SIFT: "Deleterious"; PolyPhen-2: "Probably Damaging"; Align-GVGD: "Class C15"). This variant has not been reported in the literature in individuals affected with MUTYH-related conditions. This variant is not present in population databases (gnomAD no frequency). This sequence change replaces threonine, which is neutral and polar, with isoleucine, which is neutral and non-polar, at codon 488 of the MUTYH protein (p.Thr488Ile).

NM_001048174.2(MUTYH):c.1379C>T (p.Thr460Ile)

Gene: MUTYH (mutY DNA glycosylase; minus strand). Cytogenetic location: 1p34.1.
Variant type: single nucleotide variant.
Coding change: c.1379C>T on transcript NM_001048174.2 (MANE Select); coding-DNA position 1379, C replaced by T.
Protein change: p.Thr460Ile; replaces threonine 460 with isoleucine.
Molecular consequence: missense variant. On other transcripts: non-coding transcript variant (2).
Genome position (GRCh38, 1-based): chr1:45,331,195, G>A on the plus strand (C>T on the coding strand, the complement: MUTYH is on the minus strand). VCF-style: chr1-45331195-G-A. GRCh37 (hg19) VCF-style: chr1-45796867-G-A.
Other names: c.1379C>T, p.Thr460Ile (NM_001048171.2, NM_001048173.2, NM_001293195.2 and 6 more transcripts); c.1382C>T, p.Thr461Ile (NM_001048172.2, NM_001407071.1, NM_001407078.1 and 1 more transcripts); c.1463C>T, p.Thr488Ile (NM_001128425.2); c.1424C>T, p.Thr475Ile (NM_001293190.2); c.1412C>T, p.Thr471Ile (NM_001293191.2, NM_001407069.1, NM_001407077.1); c.1103C>T, p.Thr368Ile (NM_001293192.2, NM_001293196.2, NM_001407091.1); c.1034C>T, p.Thr345Ile (NM_001350650.2, NM_001350651.2, NM_001407082.1); c.1295C>T, p.Thr432Ile (NM_001407075.1); and 5 more; short protein forms T368I, T475I, T485I, T345I, T447I, T461I, T467I, T488I.
Identifiers: ClinVar variation 2064508 (VCV002064508.4), dbSNP rs2149110917, ClinGen allele CA340132501.
Genomic context (GRCh38, chr1:45,331,195, plus strand): 5'-CATGTAGGAAACACAAGGAAGTACAACAAAGACAACAAAGGTAGTGCCTTTTTCATGGCG[G>A]TGGAAACAGCTGCGGTGTGAAATTCCTCCTGCGTCAGCCAGCGAGCACCTGGTGGTACGG-3'
Protein context (NP_001041639.1, residues 450-470): QEEFHTAAVS[Thr460Ile]AMKKVFRVYQ